The following is an entry in ClinVar:

NM_007175.8(ERLIN2):c.483T>C (p.Pro161=)

Gene: ERLIN2 (ER lipid raft associated 2; plus strand). Cytogenetic location: 8p11.23.
Variant type: single nucleotide variant.
Coding change: c.483T>C on transcript NM_007175.8 (MANE Select); coding-DNA position 483, T replaced by C.
Protein change: p.Pro161=; no amino-acid change (proline 161 retained).
Molecular consequence: synonymous variant.
Genome position (GRCh38, 1-based): chr8:37,749,617, T>C. VCF-style: chr8-37749617-T-C. GRCh37 (hg19) VCF-style: chr8-37607135-T-C.
Other names: c.483T>C, p.Pro161= (NM_001362878.2).
Identifiers: ClinVar variation 2081665 (VCV002081665.6), dbSNP rs138071049, ClinGen allele CA4710900.

ClinVar aggregate classification (germline): Likely benign. Review status: criteria provided, multiple submitters, no conflicts (2 of 4 stars). 3 submissions from 3 submitters: Likely benign (3). Last evaluated 2026-08-01.

Conditions:
Spastic paraplegia. Identifiers: MedGen C0037772, HP:0001258.

Allele frequency attached by ClinVar (database versions not stated): gnomAD exomes 0.00002; ExAC 0.00010; 1000 Genomes Project 30x 0.00016; 1000 Genomes Project 0.00020; ESP Exome Variant Server 0.00023; gnomAD 0.00025; TOPMed 0.00025.
gnomAD v4.1: 75 of 1,613,492 alleles (0.0046%); highest among the groups gnomAD compares: African/African-American, 0.083%; no homozygotes.

Submissions (3):

CeGaT Center for Human Genetics Tuebingen
Classification: Likely benign. Last evaluated: 2026-08-01. Review status: criteria provided, single submitter. Criteria: CeGaT Center For Human Genetics Tuebingen Variant Classification Criteria Version 2. Collection method: clinical testing. Allele origin: germline. Affected: yes. Observed: 1 variant allele.
Comment: ERLIN2: BP4, BP7

Women's Health and Genetics/Laboratory Corporation of America, LabCorp
Classification: Likely benign. Last evaluated: 2026-04-28. Review status: criteria provided, single submitter. Criteria: LabCorp Variant Classification Summary - May 2015. Collection method: clinical testing. Allele origin: germline.

Labcorp Genetics (formerly Invitae), Labcorp
Classification: Likely benign for Spastic paraplegia. Last evaluated: 2025-09-14. Review status: criteria provided, single submitter. Criteria: Invitae Variant Classification Sherloc (09022015). Collection method: clinical testing. Allele origin: germline.